The following is an entry in ClinVar:

NM_000540.3(RYR1):c.1667_1668delinsTA (p.Ser556Leu)

Gene: RYR1 (ryanodine receptor 1; plus strand). Cytogenetic location: 19q13.2.
Variant type: Indel.
Coding change: c.1667_1668delinsTA on transcript NM_000540.3 (MANE Select); coding-DNA positions 1667 to 1668, CG replaced by TA.
Protein change: p.Ser556Leu; replaces serine 556 with leucine.
Molecular consequence: missense variant.
Genome position (GRCh38, 1-based): chr19:38,455,541-38,455,542, CG replaced by TA. VCF-style: chr19-38455541-CG-TA. GRCh37 (hg19) VCF-style: chr19-38946181-CG-TA.
Other names: c.1667_1668delinsTA, p.Ser556Leu (NM_001042723.2); short protein forms S556L.
Identifiers: ClinVar variation 2890073 (VCV002890073.3), dbSNP rs2514027275, ClinGen allele CA2739276738.

ClinVar aggregate classification (germline): Uncertain significance (1 of 4 stars; one submission).

Conditions:
RYR1-related disorder. Also called: RYR1-related condition; RYR1-related disorders. Identifiers: MedGen CN239331.

Submission:

Labcorp Genetics (formerly Invitae), Labcorp
Classification: Uncertain significance for RYR1-related disorder. Last evaluated: 2023-03-08. Review status: criteria provided, single submitter. Criteria: Invitae Variant Classification Sherloc (09022015). Collection method: clinical testing. Allele origin: germline.
Comment: In summary, the available evidence is currently insufficient to determine the role of this variant in disease. Therefore, it has been classified as a Variant of Uncertain Significance. An algorithm developed to predict the effect of missense changes on protein structure and function (PolyPhen-2) suggests that this variant is likely to be disruptive. This variant has not been reported in the literature in individuals affected with RYR1-related conditions. The frequency data for this variant in the population databases is considered unreliable, as metrics indicate poor data quality at this position in the gnomAD database. This sequence change replaces serine, which is neutral and polar, with leucine, which is neutral and non-polar, at codon 556 of the RYR1 protein (p.Ser556Leu).